The following is an entry in ClinVar:

NM_014014.5(SNRNP200):c.1829G>A (p.Arg610Gln)

Gene: SNRNP200 (small nuclear ribonucleoprotein U5 subunit 200; minus strand). Cytogenetic location: 2q11.2.
Variant type: single nucleotide variant.
Coding change: c.1829G>A on transcript NM_014014.5 (MANE Select); coding-DNA position 1829, G replaced by A.
Protein change: p.Arg610Gln; replaces arginine 610 with glutamine.
Molecular consequence: missense variant.
Genome position (GRCh38, 1-based): chr2:96,295,501, C>T on the plus strand (G>A on the coding strand, the complement: SNRNP200 is on the minus strand). VCF-style: chr2-96295501-C-T. GRCh37 (hg19) VCF-style: chr2-96961239-C-T.
Other names: short protein forms R610Q.
Identifiers: ClinVar variation 4981068 (VCV004981068.1).
Genomic context (GRCh38, chr2:96,295,501, plus strand): 5'-GCCCTGACACAACTGGACTCTATATTCTACGACTGCTCCCAACTCACCAGAATGATGAGC[C>T]GCACCAGCTGGGTGTAGGTGCGCTCACCACCCTTGCGGGTGATGATGTCCCACTTCTCGG-3'
Protein context (NP_054733.2, residues 600-620): GGERTYTQLV[Arg610Gln]LIILDEIHLL

ClinVar aggregate classification (germline): Uncertain significance (1 of 4 stars; one submission).

Conditions:
SNRNP200-related disorder. Also called: SNRNP200-related condition.

Submission:

PreventionGenetics, part of Exact Sciences
Classification: Uncertain significance for SNRNP200-related condition. Last evaluated: 2026-07-23. Review status: criteria provided, single submitter. Criteria: ACMG Guidelines, 2015. Collection method: clinical testing. Allele origin: germline.
Comment: The SNRNP200 c.1829G>A variant is predicted to result in the amino acid substitution p.Arg610Gln. To our knowledge, this variant has not been reported in the literature. This variant is absent in a large population database (gnomAD), indicating this variant is rare. At this time, the clinical significance of this variant is uncertain due to the absence of conclusive functional and genetic evidence.